The following is an entry in ClinVar:

ClinVar aggregate classification (germline): Uncertain significance (1 of 4 stars; one submission).

Conditions:
Cardiovascular phenotype. Identifiers: MedGen CN230736.

Allele frequency attached by ClinVar (database versions not stated): gnomAD exomes below 0.00001; TOPMed 0.00001; gnomAD 0.00002; ExAC 0.00006.
gnomAD v4.1: 5 of 1,547,488 alleles (0.00032%); highest among the groups gnomAD compares: Non-Finnish European, 0.00044%; no homozygotes.

Submission:

Ambry Genetics
Classification: Uncertain significance for Cardiovascular phenotype. Last evaluated: 2023-10-08. Review status: criteria provided, single submitter. Criteria: Ambry Variant Classification Scheme 2023. Collection method: clinical testing. Allele origin: germline.
Comment: The p.E3474Q variant (also known as c.10420G>C), located in coding exon 2 of the ZNF469 gene, results from a G to C substitution at nucleotide position 10420. The glutamic acid at codon 3474 is replaced by glutamine, an amino acid with highly similar properties. This amino acid position is conserved. In addition, this alteration is predicted to be tolerated by in silico analysis. Since supporting evidence is limited at this time, the clinical significance of this alteration remains unclear.

NM_001367624.2(ZNF469):c.10504G>C (p.Glu3502Gln)

Gene: ZNF469 (zinc finger protein 469; plus strand). Cytogenetic location: 16q24.2.
Variant type: single nucleotide variant.
Coding change: c.10504G>C on transcript NM_001367624.2 (MANE Select); coding-DNA position 10504, G replaced by C.
Protein change: p.Glu3502Gln; replaces glutamic acid 3502 with glutamine.
Molecular consequence: missense variant.
Genome position (GRCh38, 1-based): chr16:88,437,974, G>C. VCF-style: chr16-88437974-G-C. GRCh37 (hg19) VCF-style: chr16-88504382-G-C.
Other names: NM_001127464.1:c.10420G>C; short protein forms E3502Q.
Identifiers: ClinVar variation 3232726 (VCV003232726.1), dbSNP rs749061080, ClinGen allele CA8225520.